The following is an entry in ClinVar:

ClinVar aggregate classification (germline): Conflicting classifications of pathogenicity. Review status: criteria provided, conflicting classifications (1 of 4 stars). 2 submissions from 2 submitters: Uncertain significance (1); Likely benign (1). Last evaluated 2024-08-19.

Conditions:
Hereditary cancer-predisposing syndrome. Also called: Hereditary neoplastic syndrome; Hereditary Cancer Syndrome; Neoplastic Syndromes, Hereditary; Tumor predisposition. Identifiers: Orphanet 140162, MedGen C0027672, MeSH D009386, MONDO:0015356.

Allele frequency attached by ClinVar (database versions not stated): gnomAD 0.00002.
gnomAD v4.1: 4 of 1,613,582 alleles (0.00025%); highest among the groups gnomAD compares: Non-Finnish European, 0.00034%; no homozygotes.

Submissions (2):

Ambry Genetics
Classification: Likely benign for Hereditary cancer-predisposing syndrome. Last evaluated: 2024-08-19. Review status: criteria provided, single submitter. Criteria: Ambry Variant Classification Scheme 2023. Collection method: clinical testing. Allele origin: germline.

Color Diagnostics, LLC DBA Color Health
Classification: Uncertain significance for Hereditary cancer-predisposing syndrome. Last evaluated: 2024-03-06. Review status: criteria provided, single submitter. Criteria: ACMG Guidelines, 2015. Collection method: clinical testing. Allele origin: germline.
Comment: This missense variant replaces lysine with asparagine at codon 2357 of the APC protein. Computational prediction suggests that this variant may not impact protein structure and function (internally defined REVEL score threshold <= 0.5, PMID: 27666373). To our knowledge, functional studies have not been reported for this variant. This variant has not been reported in individuals affected with hereditary cancer in the literature. This variant has been identified in 3/31400 chromosomes in the general population by the Genome Aggregation Database (gnomAD). The available evidence is insufficient to determine the role of this variant in disease conclusively. Therefore, this variant is classified as a Variant of Uncertain Significance.

NM_000038.6(APC):c.7071G>T (p.Lys2357Asn)

Gene: APC (APC regulator of Wnt signaling pathway; plus strand). Cytogenetic location: 5q22.2.
Variant type: single nucleotide variant.
Coding change: c.7071G>T on transcript NM_000038.6 (MANE Select); coding-DNA position 7071, G replaced by T.
Protein change: p.Lys2357Asn; replaces lysine 2357 with asparagine.
Molecular consequence: missense variant. On other transcripts: non-coding transcript variant (2).
Genome position (GRCh38, 1-based): chr5:112,842,665, G>T. VCF-style: chr5-112842665-G-T. GRCh37 (hg19) VCF-style: chr5-112178362-G-T.
Other names: c.6822G>T, p.Lys2274Asn (NM_001407455.1, NM_001407456.1, NM_001407457.1 and 1 more transcripts); c.6768G>T, p.Lys2256Asn (NM_001407458.1, NM_001407459.1, NM_001407460.1 and 1 more transcripts); c.6684G>T, p.Lys2228Asn (NM_001407469.1, NM_001407467.1); c.6222G>T, p.Lys2074Asn (NM_001407470.1, NM_001354906.2); c.5919G>T, p.Lys1973Asn (NM_001407471.1, NM_001407472.1); c.7071G>T, p.Lys2357Asn (NM_001127510.3, NM_001354895.2, NM_001407450.1); c.7017G>T, p.Lys2339Asn (NM_001127511.3); c.7125G>T, p.Lys2375Asn (NM_001354896.2, NM_001407447.1, NM_001407448.1 and 1 more transcripts); and 12 more; short protein forms K2274N, K2332N, K2339N, K2350N, K2357N, K2385N, K2074N, K2298N.
Identifiers: ClinVar variation 2773607 (VCV002773607.3), dbSNP rs1249303627, ClinGen allele CA16036738.